The following is an entry in ClinVar:

ClinVar aggregate classification (germline): Benign/Likely benign. Review status: criteria provided, multiple submitters, no conflicts (2 of 4 stars). 10 submissions from 10 submitters: Benign (6); Likely benign (2). 2 of the submissions do not count toward it. Last evaluated 2026-02-04.

Conditions:
Joubert syndrome 3 (JBTS3). Also called: AHI1-related Ciliopathy. Identifiers: Orphanet 220493, MedGen C1837713, MONDO:0012078, OMIM 608629.
Joubert syndrome. Also called: Familial aplasia of the vermis; JOUBERT-BOLTSHAUSER SYNDROME. Identifiers: Orphanet 475, MedGen C5979921, MONDO:0018772.

Allele frequency attached by ClinVar (database versions not stated): 1000 Genomes Project 30x 0.01062; 1000 Genomes Project 0.01138; gnomAD 0.01627 and 0.01682; TOPMed 0.01700; gnomAD exomes 0.01790 and 0.02268; ESP Exome Variant Server 0.01858; ExAC 0.02652.
gnomAD v4.1: 35,379 of 1,601,256 alleles (2.2%); highest among the groups gnomAD compares: Non-Finnish European, 2.6%; 479 homozygotes.

Submissions (10):

Labcorp Genetics (formerly Invitae), Labcorp
Classification: Benign for Joubert syndrome. Last evaluated: 2026-02-04. Review status: criteria provided, single submitter. Criteria: Invitae Variant Classification Sherloc (09022015). Collection method: clinical testing. Allele origin: germline.

Mayo Clinic Laboratories, Mayo Clinic
Classification: Benign. Last evaluated: 2025-09-14. Review status: criteria provided, single submitter. Criteria: ACMG Guidelines, 2015. Collection method: clinical testing. Allele origin: germline. Observed: 2 variant alleles.
Comment: BS1, BS2, BP4, BP7

Blueprint Genetics
Classification: Likely benign. Last evaluated: 2024-11-26. Review status: criteria provided, single submitter. Criteria: ACMG Guidelines, 2015. Collection method: clinical testing. Allele origin: germline.

Fulgent Genetics
Classification: Likely benign for Joubert syndrome 3. Last evaluated: 2021-11-10. Review status: criteria provided, single submitter. Criteria: ACMG Guidelines, 2015. Collection method: clinical testing. Allele origin: unknown.

Illumina Laboratory Services, Illumina
Classification: Benign for Joubert syndrome 3. Last evaluated: 2018-01-13. Review status: criteria provided, single submitter. Criteria: ICSL Variant Classification Criteria 13 December 2019. Collection method: clinical testing. Allele origin: germline.
Comment: This variant was observed in the ICSL laboratory as part of a predisposition screen in an ostensibly healthy population. It had not been previously curated by ICSL or reported in the Human Gene Mutation Database (HGMD: prior to June 1st, 2018), and was therefore a candidate for classification through an automated scoring system. Utilizing variant allele frequency, disease prevalence and penetrance estimates, and inheritance mode, an automated score was calculated to assess if this variant is too frequent to cause the disease. Based on the score and internal cut-off values, a variant classified as benign is not then subjected to further curation. The score for this variant resulted in a classification of benign for this disease.

GeneDx
Classification: Benign. Last evaluated: 2014-03-07. Review status: criteria provided, single submitter. Criteria: GeneDx Variant Classification (06012015). Collection method: clinical testing. Allele origin: germline. Affected: yes.
Comment: This variant is considered likely benign or benign based on one or more of the following criteria: it is a conservative change, it occurs at a poorly conserved position in the protein, it is predicted to be benign by multiple in silico algorithms, and/or has population frequency not consistent with disease.

Genetic Services Laboratory, University of Chicago
Classification: Benign for AllHighlyPenetrant. Last evaluated: 2013-07-03. Review status: criteria provided, single submitter. Criteria: ACMG Guidelines, 2007. Collection method: clinical testing. Allele origin: germline. Inheritance: Autosomal recessive inheritance.

PreventionGenetics, part of Exact Sciences
Classification: Benign. Review status: criteria provided, single submitter. Criteria: ACMG Guidelines, 2015. Collection method: clinical testing. Allele origin: germline.

Clinical Genetics DNA and cytogenetics Diagnostics Lab, Erasmus MC, Erasmus Medical Center
Classification: Likely benign. Review status: no assertion criteria provided. Collection method: clinical testing. Allele origin: germline. Affected: yes. Study: VKGL Data-share Consensus. Not counted in ClinVar's aggregate classification.

Genome Diagnostics Laboratory, University Medical Center Utrecht
Classification: Benign. Review status: no assertion criteria provided. Collection method: clinical testing. Allele origin: germline. Affected: yes. Study: VKGL Data-share Consensus. Not counted in ClinVar's aggregate classification.

NM_001134831.2(AHI1):c.3015A>G (p.Ser1005=)

Gene: AHI1 (Abelson helper integration site 1; minus strand). Cytogenetic location: 6q23.3.
Variant type: single nucleotide variant.
Coding change: c.3015A>G on transcript NM_001134831.2 (MANE Select); coding-DNA position 3015, A replaced by G.
Protein change: p.Ser1005=; no amino-acid change (serine 1005 retained).
Molecular consequence: synonymous variant.
Genome position (GRCh38, 1-based): chr6:135,394,870, T>C on the plus strand (A>G on the coding strand, the complement: AHI1 is on the minus strand). VCF-style: chr6-135394870-T-C. GRCh37 (hg19) VCF-style: chr6-135716008-T-C.
Other names: p.S1005S:TCA>TCG; p.Ser1005=; c.3015A>G, p.Ser1005= (NM_001134830.2, NM_001134832.2, NM_001350503.2 and 2 more transcripts).
Identifiers: ClinVar variation 128326 (VCV000128326.26), dbSNP rs41287054, ClinGen allele CA151706.